The following is an entry in ClinVar:

NM_000458.4(HNF1B):c.-9C>T

Gene: HNF1B (HNF1 homeobox B; minus strand). Cytogenetic location: 17q12.
Variant type: single nucleotide variant.
Coding change: c.-9C>T on transcript NM_000458.4 (MANE Select); 9 bases upstream of the start codon, C replaced by T.
Molecular consequence: 5 prime UTR variant.
Genome position (GRCh38, 1-based): chr17:37,744,893, G>A on the plus strand (C>T on the coding strand, the complement: HNF1B is on the minus strand). VCF-style: chr17-37744893-G-A. GRCh37 (hg19) VCF-style: chr17-36104884-G-A.
Other names: c.-9C>T (NM_001165923.4, NM_001304286.2, NM_001411100.1).
Identifiers: ClinVar variation 3031212 (VCV003031212.2), dbSNP rs764780061, ClinGen allele CA8519172.
Genomic context (GRCh38, chr17:37,744,893, plus strand): 5'-TCAGCAGGGCGCTCAGGAGTTCTTGCTGGAGCGACGTGAGCTTGGACACCATTTTCCAAG[G>A]ACGGAAAAAGAAGGGGGTGAGGGGGTGGGTGGGTGCGAGAGAGGAGGGTGGAGGGGAGTT-3'

ClinVar aggregate classification (germline): Likely benign (0 of 4 stars; one submission).

Conditions:
HNF1B-related disorder. Also called: HNF1B-related disorders; HNF1B-related condition.

Allele frequency attached by ClinVar (database versions not stated): ExAC 0.00001; gnomAD 0.00001.
gnomAD v4.1: 16 of 902,794 alleles (0.0018%); highest among the groups gnomAD compares: South Asian, 0.0089%; no homozygotes.

Submission:

PreventionGenetics, part of Exact Sciences
Classification: Likely benign for HNF1B-related condition. Last evaluated: 2021-01-20. Review status: no assertion criteria provided. Collection method: clinical testing. Allele origin: germline.
Comment: This variant is classified as likely benign based on ACMG/AMP sequence variant interpretation guidelines (Richards et al. 2015 PMID: 25741868, with internal and published modifications).